The following is an entry in ClinVar:

NM_000051.4(ATM):c.6976-15G>A

Genes: ATM (ATM serine/threonine kinase; plus strand), C11orf65 (chromosome 11 open reading frame 65; minus strand). Cytogenetic location: 11q22.3.
Variant type: single nucleotide variant.
Coding change: c.6976-15G>A on transcript NM_000051.4 (MANE Select); 15 bases into the intron before coding-DNA position 6976, G replaced by A.
Molecular consequence: intron variant.
Genome position (GRCh38, 1-based): chr11:108,327,630, G>A. VCF-style: chr11-108327630-G-A. GRCh37 (hg19) VCF-style: chr11-108198357-G-A.
Other names: c.6976-15G>A (NM_001351834.2); c.641-18559C>T (NM_001330368.2); c.*38+7590C>T (NM_001351110.2).
Identifiers: ClinVar variation 3253823 (VCV003253823.1), dbSNP rs2136371607.
Genomic context (GRCh38, chr11:108,327,630, plus strand): 5'-TCCCCGTACATGAAGGGCAGTTGGGTACAGTCATGGTAATGCATTATATTTTAAGATTTT[G>A]CCTTTCTTATACAGAACAATCCCAGCCTAAAACTTACATACACAGAATGTCTGAGGGTTT-3'

ClinVar aggregate classification (germline): Likely benign (1 of 4 stars; one submission).

Conditions:
Familial cancer of breast. Also called: hereditary breast carcinoma; BREAST CANCER, FAMILIAL; Hereditary breast cancer. Identifiers: Orphanet 227535, MedGen C0346153, MONDO:0016419, OMIM 114480. Disease mechanism: loss of function.

Allele frequency attached by ClinVar (database versions not stated): gnomAD exomes below 0.00001.
gnomAD v4.1: 1 of 1,594,256 alleles (0.000063%); highest among the groups gnomAD compares: Non-Finnish European, 0.000086%; no homozygotes.

Submission:

Myriad Genetics, Inc.
Classification: Likely benign for Familial cancer of breast. Last evaluated: 2024-06-12. Review status: criteria provided, single submitter. Criteria: Myriad Autosomal Dominant, Autosomal Recessive and X-Linked Classification Criteria (2023). Collection method: clinical testing. Allele origin: unknown.
Comment: This variant is considered likely benign. This variant is intronic and is not expected to impact mRNA splicing.